The following is an entry in ClinVar:

NM_014391.3(ANKRD1):c.461G>A (p.Arg154Gln)

Gene: ANKRD1 (ankyrin repeat domain 1; minus strand). Cytogenetic location: 10q23.31.
Variant type: single nucleotide variant.
Coding change: c.461G>A on transcript NM_014391.3 (MANE Select); coding-DNA position 461, G replaced by A.
Protein change: p.Arg154Gln; replaces arginine 154 with glutamine.
Molecular consequence: missense variant.
Genome position (GRCh38, 1-based): chr10:90,917,823, C>T on the plus strand (G>A on the coding strand, the complement: ANKRD1 is on the minus strand). VCF-style: chr10-90917823-C-T. GRCh37 (hg19) VCF-style: chr10-92677580-C-T.
Other names: short protein forms R154Q.
Identifiers: ClinVar variation 1741951 (VCV001741951.7), dbSNP rs766467730, ClinGen allele CA5598717.
Genomic context (GRCh38, chr10:90,917,823, plus strand): 5'-TCCATTAACTTCTCCACAATTGCCAAATGTCCTTCCAAGCATGCTCTATGAAGAGCTGTC[C>T]GTTTATACTATCAGAACAGAGATTTTAAACAGAGATAGCAATAAATATAAAAATGTGTGT-3'
Protein context (NP_055206.2, residues 144-164): NNPDVCDEYK[Arg154Gln]TALHRACLEG

ClinVar aggregate classification (germline): Uncertain significance. Review status: criteria provided, multiple submitters, no conflicts (2 of 4 stars). 2 submissions from 2 submitters: Uncertain significance (2). Last evaluated 2022-04-03.

Conditions:
Cardiovascular phenotype. Identifiers: MedGen CN230736.
ANKRD1-related dilated cardiomyopathy. Identifiers: MedGen CN119551.

Allele frequency attached by ClinVar (database versions not stated): ExAC 0.00001; gnomAD 0.00001; gnomAD exomes 0.00001.

Submissions (2):

Labcorp Genetics (formerly Invitae), Labcorp
Classification: Uncertain significance for ANKRD1-related dilated cardiomyopathy. Last evaluated: 2022-04-03. Review status: criteria provided, single submitter. Criteria: Invitae Variant Classification Sherloc (09022015). Collection method: clinical testing. Allele origin: germline.
Comment: In summary, the available evidence is currently insufficient to determine the role of this variant in disease. Therefore, it has been classified as a Variant of Uncertain Significance. Algorithms developed to predict the effect of missense changes on protein structure and function are either unavailable or do not agree on the potential impact of this missense change (SIFT: "Tolerated"; PolyPhen-2: "Probably Damaging"; Align-GVGD: "Class C0"). This sequence change replaces arginine, which is basic and polar, with glutamine, which is neutral and polar, at codon 154 of the ANKRD1 protein (p.Arg154Gln). This variant is present in population databases (rs766467730, gnomAD 0.0009%). This variant has not been reported in the literature in individuals affected with ANKRD1-related conditions.

Ambry Genetics
Classification: Uncertain significance for Cardiovascular phenotype. Last evaluated: 2018-02-13. Review status: criteria provided, single submitter. Criteria: Ambry Variant Classification Scheme 2023. Collection method: clinical testing. Allele origin: germline.
Comment: The p.R154Q variant (also known as c.461G>A), located in coding exon 5 of the ANKRD1 gene, results from a G to A substitution at nucleotide position 461. The arginine at codon 154 is replaced by glutamine, an amino acid with highly similar properties. This amino acid position is highly conserved in available vertebrate species. In addition, this alteration is predicted to be deleterious by in silico analysis. Since supporting evidence is limited at this time, the clinical significance of this alteration remains unclear.